The following is an entry in ClinVar:

NM_001349253.2(SCN11A):c.256C>G (p.Arg86Gly)

Gene: SCN11A (sodium voltage-gated channel alpha subunit 11; minus strand). Cytogenetic location: 3p22.2.
Variant type: single nucleotide variant.
Coding change: c.256C>G on transcript NM_001349253.2 (MANE Select); coding-DNA position 256, C replaced by G.
Protein change: p.Arg86Gly; replaces arginine 86 with glycine.
Molecular consequence: missense variant.
Genome position (GRCh38, 1-based): chr3:38,950,107, G>C on the plus strand (C>G on the coding strand, the complement: SCN11A is on the minus strand). VCF-style: chr3-38950107-G-C. GRCh37 (hg19) VCF-style: chr3-38991598-G-C.
Other names: c.256C>G, p.Arg86Gly (NM_014139.3); short protein forms R86G.
Identifiers: ClinVar variation 2197916 (VCV002197916.4), dbSNP rs78812474, ClinGen allele CA2322745.

ClinVar aggregate classification (germline): Uncertain significance (1 of 4 stars; one submission).

Conditions:
Hereditary sensory and autonomic neuropathy type 7. Also called: HSAN VII; Neuropathy, hereditary sensory and autonomic, type VII. Identifiers: Orphanet 391397, MedGen C3809882, MONDO:0014244, OMIM 615548.
Familial episodic pain syndrome with predominantly lower limb involvement. Also called: Episodic pain syndrome, familial, 3. Identifiers: Orphanet 391384, Orphanet 391392, MedGen C3809899, MONDO:0014247, OMIM 615552.

Submission:

Labcorp Genetics (formerly Invitae), Labcorp
Classification: Uncertain significance for Familial episodic pain syndrome with predominantly lower limb involvement; Hereditary sensory and autonomic neuropathy type 7. Last evaluated: 2026-01-28. Review status: criteria provided, single submitter. Criteria: Invitae Variant Classification Sherloc (09022015). Collection method: clinical testing. Allele origin: germline.
Comment: This sequence change replaces arginine, which is basic and polar, with glycine, which is neutral and non-polar, at codon 86 of the SCN11A protein (p.Arg86Gly). This variant is present in population databases (rs78812474, gnomAD 0.003%). This variant has not been reported in the literature in individuals affected with SCN11A-related conditions. ClinVar contains an entry for this variant (Variation ID: 2197916). Invitae Evidence Modeling of protein sequence and biophysical properties (such as structural, functional, and spatial information, amino acid conservation, physicochemical variation, residue mobility, and thermodynamic stability) indicates that this missense variant is not expected to disrupt SCN11A protein function with a negative predictive value of 80%. In summary, the available evidence is currently insufficient to determine the role of this variant in disease. Therefore, it has been classified as a Variant of Uncertain Significance.